The following is an entry in ClinVar:

NM_007294.4(BRCA1):c.2222_2223del (p.Val740_Ser741insTer)

Gene: BRCA1 (BRCA1 DNA repair associated; minus strand). Cytogenetic location: 17q21.31.
Variant type: Deletion.
Coding change: c.2222_2223del on transcript NM_007294.4 (MANE Select); coding-DNA positions 2222 to 2223, 2 bases deleted (CT; older notation c.2222_2223delCT).
Protein change: p.Val740_Ser741insTer.
Molecular consequence: nonsense. On other transcripts: frameshift variant (1), intron variant (137).
Genome position (GRCh38, 1-based): chr17:43,093,308-43,093,309, AG deleted on the plus strand (CT on the coding strand, the reverse complement: BRCA1 is on the minus strand); deleting any 2 consecutive bases within chr17:43,093,308-43,093,310 gives the same sequence; the c. name uses the placement nearest the transcript's 3' end. VCF-style (leftmost placement, unchanged base first): chr17-43093307-TAG-T. GRCh37 (hg19) VCF-style: chr17-41245324-TAG-T.
Other names: 2341_2342delCT; c.2099_2100del, p.Val699_Ser700insTer (NM_001407648.1, NM_001407664.1, NM_001407665.1 and 19 more transcripts); c.2096_2097del, p.Val698_Ser699insTer (NM_001407649.1, NM_001407670.1, NM_001407671.1 and 11 more transcripts); c.2222_2223del, p.Val740_Ser741insTer (NM_001407652.1, NM_001407684.1, NM_001407854.1 and 30 more transcripts); c.2144_2145del, p.Val714_Ser715insTer (NM_001407653.1, NM_001407654.1, NM_001407655.1 and 4 more transcripts); c.2141_2142del, p.Val713_Ser714insTer (NM_001407659.1, NM_001407660.1, NM_001407661.1 and 1 more transcripts); c.2081_2082del, p.Val693_Ser694insTer (NM_001407692.1, NM_001407694.1, NM_001407695.1 and 29 more transcripts); c.2078_2079del, p.Val692_Ser693insTer (NM_001407740.1, NM_001407741.1, NM_001407742.1 and 20 more transcripts); and 43 more.
Identifiers: ClinVar variation 266242 (VCV000266242.6), dbSNP rs886040019, ClinGen allele CA10589869.
Genomic context (GRCh38, chr17:43,093,307, plus strand): 5'-TTTCAGTTTGCAAAACCCTTTCTCCACTTAACATGAGATCTTTGGGGTCTTCAGCATTAT[TAG>T]ACACTTTAACTGTTTCTAGTTTCTCTTCTTTTTCTTCTCTTGGAAGGCTAGGATTGACAA-3'

ClinVar aggregate classification (germline): Pathogenic. Review status: reviewed by expert panel (3 of 4 stars). 2 submissions from 2 submitters: Pathogenic (1). 1 of the submissions does not count toward it. Last evaluated 2016-10-18.

Conditions:
Breast-ovarian cancer, familial, susceptibility to, 1 (BROVCA1). Also called: BRCA1 Hereditary Breast and Ovarian Cancer; OVARIAN CANCER, SUSCEPTIBILITY TO. Identifiers: Orphanet 145, MedGen C2676676, MONDO:0011450, OMIM 604370. Disease mechanism: loss of function.

Submissions (2):

Evidence-based Network for the Interpretation of Germline Mutant Alleles (ENIGMA)
Classification: Pathogenic for Breast-ovarian cancer, familial, susceptibility to, 1. Last evaluated: 2016-10-18. Review status: reviewed by expert panel. Criteria: ENIGMA BRCA1/2 Classification Criteria (2015). Collection method: curation. Allele origin: germline.
Comment: Variant allele predicted to encode a truncated non-functional protein.

Consortium of Investigators of Modifiers of BRCA1/2 (CIMBA), c/o University of Cambridge
Classification: Pathogenic for Breast-ovarian cancer, familial, susceptibility to, 1. Last evaluated: 2015-10-02. Review status: criteria provided, single submitter. Criteria: CIMBA Mutation Classification guidelines May 2016. Collection method: clinical testing. Allele origin: germline. Not counted in ClinVar's aggregate classification.